The following is an entry in ClinVar:

ClinVar aggregate classification (germline): Uncertain significance (1 of 4 stars; one submission).

Submission:

GeneDx
Classification: Uncertain significance. Last evaluated: 2023-03-01. Review status: criteria provided, single submitter. Criteria: GeneDx Variant Classification Process June 2021. Collection method: clinical testing. Allele origin: germline. Affected: yes.
Comment: Not observed at significant frequency in large population cohorts (gnomAD); In silico analysis supports that this missense variant has a deleterious effect on protein structure/function; Has not been previously published as pathogenic or benign to our knowledge

NM_001318852.2(MAPK8IP3):c.3218C>G (p.Pro1073Arg)

Gene: MAPK8IP3 (mitogen-activated protein kinase 8 interacting protein 3; plus strand). Cytogenetic location: 16p13.3.
Variant type: single nucleotide variant.
Coding change: c.3218C>G on transcript NM_001318852.2 (MANE Select); coding-DNA position 3218, C replaced by G.
Protein change: p.Pro1073Arg; replaces proline 1073 with arginine.
Molecular consequence: missense variant.
Genome position (GRCh38, 1-based): chr16:1,767,278, C>G. VCF-style: chr16-1767278-C-G. GRCh37 (hg19) VCF-style: chr16-1817279-C-G.
Other names: c.3197C>G, p.Pro1066Arg (NM_001040439.2); c.3215C>G, p.Pro1072Arg (NM_015133.5, NM_033392.3); short protein forms P1066R, P1072R, P1073R.
Identifiers: ClinVar variation 2578062 (VCV002578062.1), dbSNP rs2548114158, ClinGen allele CA394237624.